The following is an entry in ClinVar:

ClinVar aggregate classification (germline): Likely pathogenic (1 of 4 stars; one submission).

gnomAD v4.1: 3 of 1,613,634 alleles (0.00019%); highest among the groups gnomAD compares: Non-Finnish European, 0.00025%; no homozygotes.

Submission:

Labcorp Genetics (formerly Invitae), Labcorp
Classification: Likely pathogenic. Last evaluated: 2021-12-02. Review status: criteria provided, single submitter. Criteria: Invitae Variant Classification Sherloc (09022015). Collection method: clinical testing. Allele origin: germline.
Comment: This sequence change replaces alanine, which is neutral and non-polar, with proline, which is neutral and non-polar, at codon 464 of the SLC12A3 protein (p.Ala464Pro). This variant is not present in population databases (gnomAD no frequency). This variant has not been reported in the literature in individuals affected with SLC12A3-related conditions. Advanced modeling of protein sequence and biophysical properties (such as structural, functional, and spatial information, amino acid conservation, physicochemical variation, residue mobility, and thermodynamic stability) performed at Invitae indicates that this missense variant is expected to disrupt SLC12A3 protein function. This variant disrupts the p.Ala464 amino acid residue in SLC12A3. Other variant(s) that disrupt this residue have been determined to be pathogenic (PMID: 17699451, 21415153, 21753071, 22009145). This suggests that this residue is clinically significant, and that variants that disrupt this residue are likely to be disease-causing. In summary, the currently available evidence indicates that the variant is pathogenic, but additional data are needed to prove that conclusively. Therefore, this variant has been classified as Likely Pathogenic.

Literature cited by the submitters: PubMed 17699451; PubMed 21415153; PubMed 21753071; PubMed 22009145.

NM_001126108.2(SLC12A3):c.1390G>C (p.Ala464Pro)

Gene: SLC12A3 (solute carrier family 12 member 3; plus strand). Cytogenetic location: 16q13.
Variant type: single nucleotide variant.
Coding change: c.1390G>C on transcript NM_001126108.2 (MANE Select); coding-DNA position 1390, G replaced by C.
Protein change: p.Ala464Pro; replaces alanine 464 with proline.
Molecular consequence: missense variant.
Genome position (GRCh38, 1-based): chr16:56,879,596, G>C. VCF-style: chr16-56879596-G-C. GRCh37 (hg19) VCF-style: chr16-56913508-G-C.
Other names: c.1390G>C, p.Ala464Pro (NM_000339.3); c.1387G>C, p.Ala463Pro (NM_001126107.2); short protein forms A463P, A464P.
Identifiers: ClinVar variation 1495555 (VCV001495555.6), dbSNP rs201945662, ClinGen allele CA395987562.